The following is an entry in ClinVar:

NM_016180.5(SLC45A2):c.610C>T (p.His204Tyr)

Gene: SLC45A2 (solute carrier family 45 member 2; minus strand). Cytogenetic location: 5p13.2.
Variant type: single nucleotide variant.
Coding change: c.610C>T on transcript NM_016180.5 (MANE Select); coding-DNA position 610, C replaced by T.
Protein change: p.His204Tyr; replaces histidine 204 with tyrosine.
Molecular consequence: missense variant. On other transcripts: intron variant (1).
Genome position (GRCh38, 1-based): chr5:33,963,969, G>A on the plus strand (C>T on the coding strand, the complement: SLC45A2 is on the minus strand). VCF-style: chr5-33963969-G-A. GRCh37 (hg19) VCF-style: chr5-33964074-G-A.
Other names: c.610C>T, p.His204Tyr (NM_001012509.4); c.563-9465C>T (NM_001297417.4); short protein forms H204Y.
Identifiers: ClinVar variation 1940342 (VCV001940342.5), dbSNP rs1365318380, ClinGen allele CA359394294.
Genomic context (GRCh38, chr5:33,963,969, plus strand): 5'-ATGCAGAGAAGAAGAACATGACCTGGAATTCTGTACCCAACAGTCTTCCCAGCTCCAGAT[G>A]GGCCCAGTCTATAGCACCCAAAAGGTAACCCAGGGCACCTCCAAAACCTGGAAAGCAAGA-3'
Protein context (NP_057264.4, residues 194-214): GYLLGAIDWA[His204Tyr]LELGRLLGTE

ClinVar aggregate classification (germline): Uncertain significance (1 of 4 stars; one submission).

Allele frequency attached by ClinVar (database versions not stated): TOPMed below 0.00001; gnomAD 0.00001.
gnomAD v4.1: 1 of 1,613,950 alleles (0.000062%); highest among the groups gnomAD compares: Non-Finnish European, 0.000085%; no homozygotes.

Submission:

Labcorp Genetics (formerly Invitae), Labcorp
Classification: Uncertain significance. Last evaluated: 2022-07-29. Review status: criteria provided, single submitter. Criteria: Invitae Variant Classification Sherloc (09022015). Collection method: clinical testing. Allele origin: germline.
Comment: This sequence change replaces histidine, which is basic and polar, with tyrosine, which is neutral and polar, at codon 204 of the SLC45A2 protein (p.His204Tyr). This variant is present in population databases (no rsID available, gnomAD 0.0009%). This variant has not been reported in the literature in individuals affected with SLC45A2-related conditions. Algorithms developed to predict the effect of missense changes on protein structure and function are either unavailable or do not agree on the potential impact of this missense change (SIFT: "Tolerated"; PolyPhen-2: "Possibly Damaging"; Align-GVGD: "Class C0"). In summary, the available evidence is currently insufficient to determine the role of this variant in disease. Therefore, it has been classified as a Variant of Uncertain Significance.